The following is an entry in ClinVar:

NM_000152.5(GAA):c.1754+1G>A

Gene: GAA (alpha glucosidase; plus strand). Cytogenetic location: 17q25.3.
Variant type: single nucleotide variant.
Coding change: c.1754+1G>A on transcript NM_000152.5 (MANE Select); the canonical splice donor site of the intron after coding-DNA position 1754, G replaced by A.
Molecular consequence: splice donor variant.
Genome position (GRCh38, 1-based): chr17:80,112,101, G>A. VCF-style: chr17-80112101-G-A. GRCh37 (hg19) VCF-style: chr17-78085900-G-A.
Other names: c.1754+1G>A (NM_001406741.1, NM_001406742.1, NM_001079803.3 and 1 more transcripts).
Identifiers: ClinVar variation 286458 (VCV000286458.20), dbSNP rs886043399, ClinGen allele CA10605471.
Genomic context (GRCh38, chr17:80,112,101, plus strand): 5'-CTCCACACACTACAACCTGCACAACCTCTACGGCCTGACCGAAGCCATCGCCTCCCACAG[G>A]TGAGGGCCACGTCCCGCCCCACTGGGCTCTGCCCTCACAGCCTGTCCTACAAGGTTGGGG-3'

ClinVar aggregate classification (germline): Pathogenic. Review status: reviewed by expert panel (3 of 4 stars). 8 submissions from 8 submitters: Pathogenic (1). 7 of the submissions do not count toward it. Last evaluated 2020-02-05.

Conditions:
Glycogen storage disease, type II (IOPD). Also called: Glucosidase acid-1,4-alpha deficiency; CARDIOMEGALIA GLYCOGENICA DIFFUSA; GLYCOGENOSIS, GENERALIZED, CARDIAC FORM; GSD II; Glycogen storage disease type 2; Acid maltase deficiency disease. Identifiers: Orphanet 365, MedGen C0017921, MONDO:0009290, OMIM 232300.

Allele frequency attached by ClinVar (database versions not stated): gnomAD 0.00001; TOPMed 0.00001; gnomAD exomes below 0.00001.
gnomAD v4.1: 3 of 1,612,902 alleles (0.00019%); highest among the groups gnomAD compares: African/African-American, 0.0013%; no homozygotes.

Submissions (8):

ClinGen Lysosomal Storage Disorder Variant Curation Expert Panel
Classification: Pathogenic for Glycogen storage disease, type II. Last evaluated: 2020-02-05. Review status: reviewed by expert panel. Criteria: ClinGen LSD ACMG Specifications v1. Collection method: curation. Allele origin: germline. Inheritance: Autosomal recessive inheritance.
Comment: The c.1754+1G>A variant alters the canonical donor splice site of intron 12 and is predicted to cause skipping of exon 12, which would result in a frameshift, creation of a premature stop codon, and nonsense-mediated decay. This is supported by the finding of no cross reactive immunological material in fibroblasts from a patient with this variant (PMID: 22252923). Therefore PVS1 can be applied. The variant is absent in gnomAD v2.1.1, meeting PM2. It has been reported in a patient with infantile onset Pompe disease in trans with a frameshift variant, c.722_723delTT (PMID 19775921), meeting PM3. There is a ClinVar entry for this variant (Variant ID: 286458; one star review status) with one submitter classifying the variant as likely pathogenic. In summary, this variant meets the criteria to be classified as Pathogenic for Pompe disease. GAA-specific ACMG/AMP criteria applied, as specified by the ClinGen LSD VCEP: PVS1, PM2, PM3, PP4.

Genomenon, Inc
Classification: Pathogenic for Glycogen storage disease, type II. Last evaluated: 2026-07-01. Review status: criteria provided, single submitter. Criteria: Genomenon Sequence Variant Interpretation Standards - Updated. Collection method: curation. Allele origin: germline. Affected: yes. Not counted in ClinVar's aggregate classification.
Comment: GAA c.1754+1G>A is a canonical splice variant affecting the donor splice site of intron 12. It is predicted to affect mRNA splicing, leading to a deleterious effect on the GAA protein. This variant has been observed in at least one proband with a GAA-related disorder (PMID:22658377;25741864). It is absent or not present at a significant frequency in gnomAD. In conclusion, we classify GAA c.1754+1G>A as a pathogenic variant.

Labcorp Genetics (formerly Invitae), Labcorp
Classification: Pathogenic for Glycogen storage disease, type II. Last evaluated: 2025-04-28. Review status: criteria provided, single submitter. Criteria: Invitae Variant Classification Sherloc (09022015). Collection method: clinical testing. Allele origin: germline. Not counted in ClinVar's aggregate classification.
Comment: This sequence change affects a donor splice site in intron 12 of the GAA gene. It is expected to disrupt RNA splicing. Variants that disrupt the donor or acceptor splice site typically lead to a loss of protein function (PMID: 16199547), and loss-of-function variants in GAA are known to be pathogenic (PMID: 18425781, 22252923). This variant is not present in population databases (gnomAD no frequency). Disruption of this splice site has been observed in individual(s) with Pompe disease (PMID: 19775921). In at least one individual the data is consistent with being in trans (on the opposite chromosome) from a pathogenic variant. ClinVar contains an entry for this variant (Variation ID: 286458). Algorithms developed to predict the effect of sequence changes on RNA splicing suggest that this variant may disrupt the consensus splice site. For these reasons, this variant has been classified as Pathogenic.

Fulgent Genetics
Classification: Pathogenic for Glycogen storage disease, type II. Last evaluated: 2024-03-13. Review status: criteria provided, single submitter. Criteria: ACMG Guidelines, 2015. Collection method: clinical testing. Allele origin: germline. Not counted in ClinVar's aggregate classification.

AiLife Diagnostics
Classification: Pathogenic. Last evaluated: 2021-10-06. Review status: criteria provided, single submitter. Criteria: ACMG Guidelines, 2015. Collection method: clinical testing. Allele origin: germline. Affected: yes. Observed: 1 variant allele. Not counted in ClinVar's aggregate classification.

Revvity Omics, Revvity
Classification: Pathogenic. Last evaluated: 2020-11-12. Review status: criteria provided, single submitter. Criteria: ACMG Guidelines, 2015. Collection method: clinical testing. Allele origin: germline. Not counted in ClinVar's aggregate classification.

Women's Health and Genetics/Laboratory Corporation of America, LabCorp
Classification: Pathogenic for Glycogen storage disease, type II. Last evaluated: 2020-11-11. Review status: criteria provided, single submitter. Criteria: LabCorp Variant Classification Summary - May 2015. Collection method: clinical testing. Allele origin: germline. Not counted in ClinVar's aggregate classification.
Comment: Variant summary: GAA c.1754+1G>A is located in a canonical splice-site and is predicted to affect mRNA splicing resulting in a significantly altered protein due to either exon skipping, shortening, or inclusion of intronic material. Several computational tools predict a significant impact on normal splicing: Four predict the variant abolishes a 5' splicing donor site. Three predict the variant weakens a 3' acceptor site. However, these predictions have yet to be confirmed by functional studies. The variant was absent in 251118 control chromosomes. c.1754+1G>A has been reported in the literature in individuals affected with Glycogen Storage Disease, Type 2 (Pompe Disease), and in at least one case the patient was reported as being cross reactive immunological material (CRIM)-negative (Bali_2012, Kishnani_2010). To our knowledge, no experimental evidence demonstrating an impact on protein function has been reported. Two clinical diagnostic laboratories have submitted clinical-significance assessments for this variant to ClinVar after 2014 without evidence for independent evaluation. All laboratories classified the variant as pathogenic. Based on the variant being a null allele (PVS1), absent in the gnomad database (PM2), and present in a patient in trans with a pathogenic variant (PM3), this variant has been classified pathogenic.

Eurofins Ntd Llc (ga)
Classification: Pathogenic. Last evaluated: 2016-03-03. Review status: criteria provided, single submitter. Criteria: EGL Classification Definitions 2015. Collection method: clinical testing. Allele origin: germline. Observed: 1 variant allele, 1 heterozygote. Not counted in ClinVar's aggregate classification.

Literature cited by the submitters: PubMed 22658377 (cited by Genomenon, Inc); PubMed 25741864 (cited by Genomenon, Inc); PubMed 16199547 (cited by Labcorp Genetics (formerly Invitae), Labcorp); PubMed 18425781 (cited by Labcorp Genetics (formerly Invitae), Labcorp); PubMed 22252923 (cited by Labcorp Genetics (formerly Invitae), Labcorp and Women's Health and Genetics/Laboratory Corporation of America, LabCorp); PubMed 19775921 (cited by 4 submitters); PubMed 31589614 (cited by AiLife Diagnostics); PubMed 25525159 (cited by AiLife Diagnostics and Eurofins Ntd Llc (ga)); PubMed 26693141 (cited by Eurofins Ntd Llc (ga)).